The following is an entry in ClinVar:

NM_004462.5(FDFT1):c.100-85_100-80del

Genes: FDFT1 (farnesyl-diphosphate farnesyltransferase 1), LOC129999907 (ATAC-STARR-seq lymphoblastoid silent region 18943; plus strand). Cytogenetic location: 8p23.1.
Variant type: Deletion.
Coding change: c.100-85_100-80del on transcript NM_004462.5 (MANE Select); 85 bases into the intron before coding-DNA position 100 through 80 bases into the intron before coding-DNA position 100, this stretch deleted.
Molecular consequence: intron variant. On other transcripts: inframe deletion (1).
Genome position: GRCh38 VCF-style: chr8-11808704-CCCCAGT-C. GRCh37 (hg19) VCF-style: chr8-11666213-CCCCAGT-C.
Other names: c.192_197del, p.Gln64_Ser65del (NM_001287750.2); c.100-85_100-80del (NM_001287742.2, NM_001287743.2); c.-93-85_-93-80del (NM_001287744.2, NM_001287745.2, NM_001287747.2 and 2 more transcripts); c.64+5799_64+5804del (NM_001287756.2).
Identifiers: ClinVar variation 4979282 (VCV004979282.1).

ClinVar aggregate classification (germline): Uncertain significance (1 of 4 stars; one submission).

Conditions:
FDFT1-related disorder. Also called: FDFT1-related condition.

Submission:

PreventionGenetics, part of Exact Sciences
Classification: Uncertain significance for FDFT1-related condition. Last evaluated: 2026-06-05. Review status: criteria provided, single submitter. Criteria: ACMG Guidelines, 2015. Collection method: clinical testing. Allele origin: germline.
Comment: The FDFT1 c.192_197del6 variant is predicted to result in an in-frame deletion (p.Gln64_Ser65del). To our knowledge, this variant has not been reported in the literature. This variant is reported in 0.047% of alleles in individuals of European (Non-Finnish) descent in gnomAD. At this time, the clinical significance of this variant is uncertain due to the absence of conclusive functional and genetic evidence.